The following is an entry in ClinVar:

ClinVar aggregate classification (germline): Uncertain significance (1 of 4 stars; one submission).

Conditions:
Hereditary sensory and autonomic neuropathy type 6. Also called: Neuropathy, hereditary sensory and autonomic, type VI; HSAN VI. Identifiers: Orphanet 314381, MedGen C3539003, MONDO:0013839, OMIM 614653.
Epidermolysis bullosa simplex 3, localized or generalized intermediate, with BP230 deficiency (EBS3). Also called: Epidermolysis bullosa simplex, autosomal recessive 2; Epidermolysis bullosa simplex due to BP230 deficiency. Identifiers: Orphanet 412181, MedGen C3809470, MONDO:0014180, OMIM 615425.

Allele frequency attached by ClinVar (database versions not stated): TOPMed below 0.00001; ExAC 0.00002; gnomAD exomes 0.00002.
gnomAD v4.1: 9 of 1,613,224 alleles (0.00056%); highest among the groups gnomAD compares: South Asian, 0.0077%; no homozygotes.

Submission:

Labcorp Genetics (formerly Invitae), Labcorp
Classification: Uncertain significance for Epidermolysis bullosa simplex 3, localized or generalized intermediate, with BP230 deficiency; Hereditary sensory and autonomic neuropathy type 6. Last evaluated: 2020-03-04. Review status: criteria provided, single submitter. Criteria: Invitae Variant Classification Sherloc (09022015). Collection method: clinical testing. Allele origin: germline.
Comment: In summary, the available evidence is currently insufficient to determine the role of this variant in disease. Therefore, it has been classified as a Variant of Uncertain Significance. Algorithms developed to predict the effect of missense changes on protein structure and function (SIFT, PolyPhen-2, Align-GVGD) all suggest that this variant is likely to be disruptive, but these predictions have not been confirmed by published functional studies and their clinical significance is uncertain. This variant has not been reported in the literature in individuals with DST-related conditions. This variant is present in population databases (rs754479912, ExAC 0.01%). This sequence change replaces asparagine with serine at codon 667 of the DST protein (p.Asn667Ser). The asparagine residue is highly conserved and there is a small physicochemical difference between asparagine and serine.

NM_001374736.1(DST):c.3611A>G (p.Asn1204Ser)

Gene: DST (dystonin; minus strand). Cytogenetic location: 6p12.1.
Variant type: single nucleotide variant.
Coding change: c.3611A>G on transcript NM_001374736.1 (MANE Select); coding-DNA position 3611, A replaced by G.
Protein change: p.Asn1204Ser; replaces asparagine 1204 with serine.
Molecular consequence: missense variant.
Genome position (GRCh38, 1-based): chr6:56,634,142, T>C on the plus strand (A>G on the coding strand, the complement: DST is on the minus strand). VCF-style: chr6-56634142-T-C. GRCh37 (hg19) VCF-style: chr6-56498940-T-C.
Other names: c.3512A>G, p.Asn1171Ser (NM_001144769.5); c.3098A>G, p.Asn1033Ser (NM_001144770.2); c.3611A>G, p.Asn1204Ser (NM_001374722.1); c.2978A>G, p.Asn993Ser (NM_001374729.1, NM_001374730.1, NM_001386100.1 and 1 more transcripts); c.3638A>G, p.Asn1213Ser (NM_001374734.1); c.2000A>G, p.Asn667Ser (NM_001723.7, NM_015548.5); short protein forms N1171S, N667S, N1033S, N1204S, N993S, N1213S.
Identifiers: ClinVar variation 1037105 (VCV001037105.9), dbSNP rs754479912, ClinGen allele CA3871117.
Genomic context (GRCh38, chr6:56,634,142, plus strand): 5'-GGCATGCACATTTTTGGACATATCGAGTTGACATACAGATTCATACTTACTGAAGCCACA[T>C]TGCTAGCTCGAATTCTATCAATTTCATTGATGAGATAATGCCAGGATACTACACTCTTCA-3'
Protein context (NP_001361665.1, residues 1194-1214): INEIDRIRAS[Asn1204Ser]VASIKTMLPG